The following is an entry in ClinVar:

NM_058246.4(DNAJB6):c.413G>A (p.Gly138Glu)

Gene: DNAJB6 (DnaJ heat shock protein family (Hsp40) member B6; plus strand). Cytogenetic location: 7q36.3.
Variant type: single nucleotide variant.
Coding change: c.413G>A on transcript NM_058246.4 (MANE Select); coding-DNA position 413, G replaced by A.
Protein change: p.Gly138Glu; replaces glycine 138 with glutamic acid.
Molecular consequence: missense variant. On other transcripts: intron variant (1).
Genome position (GRCh38, 1-based): chr7:157,382,312, G>A. VCF-style: chr7-157382312-G-A. GRCh37 (hg19) VCF-style: chr7-157175006-G-A.
Other names: c.413G>A, p.Gly138Glu (NM_005494.3); c.346+14829G>A (NM_001363676.1); short protein forms G138E.
Identifiers: ClinVar variation 4748670 (VCV004748670.1).
Genomic context (GRCh38, chr7:157,382,312, plus strand): 5'-CTTTTGAGGACTTCTTTGGGAATCGAAGGGGTCCCCGAGGAAGCAGAAGCCGAGGGACGG[G>A]GTCGTTTTTCTCTGCGTTCAGTGGATTTCCGTCTTTTGGAAGTGGATTTTCTTCTTTTGA-3'
Protein context (NP_490647.1, residues 128-148): GPRGSRSRGT[Gly138Glu]SFFSAFSGFP

ClinVar aggregate classification (germline): Uncertain significance (1 of 4 stars; one submission).

Conditions:
Autosomal dominant limb-girdle muscular dystrophy type 1D (DNAJB6) (LGMDD1). Also called: MUSCULAR DYSTROPHY, LIMB-GIRDLE, TYPE 1D; MUSCULAR DYSTROPHY, AUTOSOMAL DOMINANT, WITH RIMMED VACUOLES; Autosomal dominant limb-girdle muscular dystrophy type 1D; Muscular dystrophy, limb-girdle, autosomal dominant 1. Identifiers: Orphanet 34516, MedGen C4721885, MONDO:0021018, OMIM 603511.

gnomAD v4.1: 7 of 1,612,114 alleles (0.00043%); highest among the groups gnomAD compares: Non-Finnish European, 0.00059%; no homozygotes.

Submission:

Labcorp Genetics (formerly Invitae), Labcorp
Classification: Uncertain significance for Autosomal dominant limb-girdle muscular dystrophy type 1D (DNAJB6). Last evaluated: 2025-08-06. Review status: criteria provided, single submitter. Criteria: Invitae Variant Classification Sherloc (09022015). Collection method: clinical testing. Allele origin: germline.
Comment: This sequence change replaces glycine, which is neutral and non-polar, with glutamic acid, which is acidic and polar, at codon 138 of the DNAJB6 protein (p.Gly138Glu). This variant is present in population databases (rs775051801, gnomAD 0.002%). This missense change has been observed in individual(s) with Limb-Girdle muscular dystrophy (PMID: 25214167). Invitae Evidence Modeling of protein sequence and biophysical properties (such as structural, functional, and spatial information, amino acid conservation, physicochemical variation, residue mobility, and thermodynamic stability) indicates that this missense variant is not expected to disrupt DNAJB6 protein function with a negative predictive value of 80%. In summary, the available evidence is currently insufficient to determine the role of this variant in disease. Therefore, it has been classified as a Variant of Uncertain Significance.

Literature cited by the submitters: PubMed 25214167.